The following is an entry in ClinVar:

NM_001365951.3(KIF1B):c.2926G>T (p.Ala976Ser)

Gene: KIF1B (kinesin family member 1B; plus strand). Cytogenetic location: 1p36.22.
Variant type: single nucleotide variant.
Coding change: c.2926G>T on transcript NM_001365951.3 (MANE Select); coding-DNA position 2926, G replaced by T.
Protein change: p.Ala976Ser; replaces alanine 976 with serine.
Molecular consequence: missense variant.
Genome position (GRCh38, 1-based): chr1:10,334,521, G>T. VCF-style: chr1-10334521-G-T. GRCh37 (hg19) VCF-style: chr1-10394579-G-T.
Other names: c.2926G>T, p.Ala976Ser (NM_001365952.1); c.2788G>T, p.Ala930Ser (NM_015074.3); short protein forms A976S, A930S.
Identifiers: ClinVar variation 2561702 (VCV002561702.3), dbSNP rs1011153710, ClinGen allele CA17840365.

ClinVar aggregate classification (germline): Uncertain significance (1 of 4 stars; one submission).

Allele frequency attached by ClinVar (database versions not stated): gnomAD exomes below 0.00001.
gnomAD v4.1: 1 of 1,609,694 alleles (0.000062%); highest among the groups gnomAD compares: Non-Finnish European, 0.000085%; no homozygotes.

Submission:

Ambry Genetics
Classification: Uncertain significance. Last evaluated: 2025-11-16. Review status: criteria provided, single submitter. Criteria: Ambry Variant Classification Scheme 2023. Collection method: clinical testing. Allele origin: germline.
Comment: The p.A930S variant (also known as c.2788G>T), located in coding exon 25 of the KIF1B gene, results from a G to T substitution at nucleotide position 2788. The alanine at codon 930 is replaced by serine, an amino acid with similar properties. This amino acid position is conserved. In addition, the in silico prediction for this alteration is inconclusive. Since supporting evidence is limited at this time, the clinical significance of this alteration remains unclear.